The following is an entry in ClinVar:

ClinVar aggregate classification (germline): Likely pathogenic (1 of 4 stars; one submission).

Conditions:
Intellectual developmental disorder, autosomal dominant 50, with behavioral abnormalities. Also called: MENTAL RETARDATION, AUTOSOMAL DOMINANT 50; Intellectual disability, autosomal dominant 50. Identifiers: MedGen C4540470, MONDO:0030916, OMIM 617787.

Submission:

CGC Genetics, Unilabs
Classification: Likely pathogenic for Intellectual developmental disorder, autosomal dominant 50, with behavioral abnormalities. Last evaluated: 2025-11-14. Review status: criteria provided, single submitter. Criteria: ACMG Guidelines, 2015. Collection method: clinical testing. Allele origin: germline. Inheritance: Autosomal dominant inheritance. Affected: yes. Observed: 1 variant allele.
Comment: The NM_057175.5:c.745G>T p.(Gly249*) variant, detected in heterozygosity in exon 7 (of 20) of the NAA15 gene (chr.4), is not described in the literature or in the ClinVar or gnomAD databases. Given its nature (nonsense), it is expected to introduce a premature stop codon and result in the production of a truncated protein and/or loss of expression due to mRNA degradation. Based on the information currently available, this should be classified as a likely pathogenic variant.

NM_057175.5(NAA15):c.745G>T (p.Gly249Ter)

Gene: NAA15 (N-alpha-acetyltransferase 15, NatA auxiliary subunit; plus strand). Cytogenetic location: 4q31.1.
Variant type: single nucleotide variant.
Coding change: c.745G>T on transcript NM_057175.5 (MANE Select); coding-DNA position 745, G replaced by T.
Protein change: p.Gly249Ter; replaces glycine 249 with a stop codon.
Molecular consequence: nonsense.
Genome position (GRCh38, 1-based): chr4:139,349,515, G>T. VCF-style: chr4-139349515-G-T. GRCh37 (hg19) VCF-style: chr4-140270669-G-T.
Other names: c.745G>T, p.Gly249Ter (NM_001410842.1); short protein forms G249*.
Identifiers: ClinVar variation 4851594 (VCV004851594.1).
Genomic context (GRCh38, chr4:139,349,515, plus strand): 5'-TAATCAGGGGAACTTCTGTTGCAACTATGTCGTTTGGAAGATGCTGCAGATGTTTATAGA[G>T]GATTGCAAGAGAGAAATCCTGAAAACTGGGCCTATTACAAAGGCTTGGAAAAAGCACTCA-3'